The following is an entry in ClinVar:

NM_001291746.2(REL):c.1749A>T (p.Glu583Asp)

Gene: REL (REL proto-oncogene, NF-kB subunit; plus strand). Cytogenetic location: 2p16.1.
Variant type: single nucleotide variant.
Coding change: c.1749A>T on transcript NM_001291746.2 (MANE Select); coding-DNA position 1749, A replaced by T.
Protein change: p.Glu583Asp; replaces glutamic acid 583 with aspartic acid.
Molecular consequence: missense variant.
Genome position (GRCh38, 1-based): chr2:60,922,520, A>T. VCF-style: chr2-60922520-A-T. GRCh37 (hg19) VCF-style: chr2-61149655-A-T.
Other names: c.1845A>T, p.Glu615Asp (NM_002908.4); short protein forms E583D, E615D.
Identifiers: ClinVar variation 1978289 (VCV001978289.2), dbSNP rs767945446, ClinGen allele CA1672533.

ClinVar aggregate classification (germline): Uncertain significance (1 of 4 stars; one submission).

Allele frequency attached by ClinVar (database versions not stated): TOPMed below 0.00001; ExAC 0.00001; gnomAD exomes 0.00001; gnomAD 0.00001.
gnomAD v4.1: 15 of 1,599,146 alleles (0.00094%); highest among the groups gnomAD compares: Middle Eastern, 0.017%; no homozygotes.

Submission:

Labcorp Genetics (formerly Invitae), Labcorp
Classification: Uncertain significance. Last evaluated: 2025-10-23. Review status: criteria provided, single submitter. Criteria: Invitae Variant Classification Sherloc (09022015). Collection method: clinical testing. Allele origin: germline.
Comment: This sequence change replaces glutamic acid, which is acidic and polar, with aspartic acid, which is acidic and polar, at codon 615 of the REL protein (p.Glu615Asp). This variant is present in population databases (rs767945446, gnomAD 0.003%). This variant has not been reported in the literature in individuals affected with REL-related conditions. ClinVar contains an entry for this variant (Variation ID: 1978289). An algorithm developed to predict the effect of missense changes on protein structure and function outputs the following: PolyPhen-2: "Benign". The aspartic acid amino acid residue is found in multiple mammalian species, which suggests that this missense change does not adversely affect protein function. In summary, the available evidence is currently insufficient to determine the role of this variant in disease. Therefore, it has been classified as a Variant of Uncertain Significance.